The following is an entry in ClinVar:

ClinVar aggregate classification (germline): Uncertain significance. Review status: criteria provided, multiple submitters, no conflicts (2 of 4 stars). 2 submissions from 2 submitters: Uncertain significance (2). Last evaluated 2022-07-06.

Conditions:
Holoprosencephaly 11 (HPE11). Identifiers: Orphanet 2162, MedGen C3280215, MONDO:0013642, OMIM 614226.

Allele frequency attached by ClinVar (database versions not stated): gnomAD exomes 0.00001; TOPMed 0.00001; ExAC 0.00003.
gnomAD v4.1: 22 of 1,612,064 alleles (0.0014%); highest among the groups gnomAD compares: Middle Eastern, 0.016%; no homozygotes.

Submissions (2):

Labcorp Genetics (formerly Invitae), Labcorp
Classification: Uncertain significance for Holoprosencephaly 11. Last evaluated: 2022-07-06. Review status: criteria provided, single submitter. Criteria: Invitae Variant Classification Sherloc (09022015). Collection method: clinical testing. Allele origin: germline.
Comment: In summary, the available evidence is currently insufficient to determine the role of this variant in disease. Therefore, it has been classified as a Variant of Uncertain Significance. Algorithms developed to predict the effect of sequence changes on RNA splicing suggest that this variant may disrupt the consensus splice site. Algorithms developed to predict the effect of missense changes on protein structure and function are either unavailable or do not agree on the potential impact of this missense change (SIFT: "Deleterious"; PolyPhen-2: "Probably Damaging"; Align-GVGD: "Class C15"). ClinVar contains an entry for this variant (Variation ID: 879739). This variant has not been reported in the literature in individuals affected with CDON-related conditions. This variant is present in population databases (rs753364775, gnomAD 0.006%). This sequence change replaces threonine, which is neutral and polar, with methionine, which is neutral and non-polar, at codon 848 of the CDON protein (p.Thr848Met).

Illumina Laboratory Services, Illumina
Classification: Uncertain significance for Holoprosencephaly 11. Last evaluated: 2018-01-15. Review status: criteria provided, single submitter. Criteria: ICSL Variant Classification Criteria 13 December 2019. Collection method: clinical testing. Allele origin: germline.

NM_001378964.1(CDON):c.2543C>T (p.Thr848Met)

Gene: CDON (cell adhesion associated, oncogene regulated; minus strand). Cytogenetic location: 11q24.2.
Variant type: single nucleotide variant.
Coding change: c.2543C>T on transcript NM_001378964.1 (MANE Select); coding-DNA position 2543, C replaced by T.
Protein change: p.Thr848Met; replaces threonine 848 with methionine.
Molecular consequence: missense variant.
Genome position (GRCh38, 1-based): chr11:125,994,872, G>A on the plus strand (C>T on the coding strand, the complement: CDON is on the minus strand). VCF-style: chr11-125994872-G-A. GRCh37 (hg19) VCF-style: chr11-125864767-G-A.
Other names: c.2543C>T, p.Thr848Met (NM_001243597.3, NM_016952.6); short protein forms T848M.
Identifiers: ClinVar variation 879739 (VCV000879739.9), dbSNP rs753364775, ClinGen allele CA6351698.